The following is an entry in ClinVar:

ClinVar aggregate classification (germline): Uncertain significance (1 of 4 stars; one submission).

Submission:

Ambry Genetics
Classification: Uncertain significance. Last evaluated: 2026-06-16. Review status: criteria provided, single submitter. Criteria: Ambry Variant Classification Scheme 2023. Collection method: clinical testing. Allele origin: germline.
Comment: The p.M196T variant (also known as c.587T>C), located in coding exon 5 of the KIF1B gene, results from a T to C substitution at nucleotide position 587. The methionine at codon 196 is replaced by threonine, an amino acid with similar properties. This amino acid position is conserved. In addition, this alteration is predicted to be deleterious by in silico analysis. Based on the available evidence, the clinical significance of this variant remains unclear.

NM_001365951.3(KIF1B):c.587T>C (p.Met196Thr)

Gene: KIF1B (kinesin family member 1B; plus strand). Cytogenetic location: 1p36.22.
Variant type: single nucleotide variant.
Coding change: c.587T>C on transcript NM_001365951.3 (MANE Select); coding-DNA position 587, T replaced by C.
Protein change: p.Met196Thr; replaces methionine 196 with threonine.
Molecular consequence: missense variant.
Genome position (GRCh38, 1-based): chr1:10,267,537, T>C. VCF-style: chr1-10267537-T-C. GRCh37 (hg19) VCF-style: chr1-10327595-T-C.
Other names: c.587T>C, p.Met196Thr (NM_001365952.1, NM_001365953.1, NM_015074.3 and 1 more transcripts); short protein forms M196T.
Identifiers: ClinVar variation 5023168 (VCV005023168.1).